The following is an entry in ClinVar:

NM_000143.4(FH):c.260G>T (p.Arg87Leu)

Gene: FH (fumarate hydratase; minus strand). Cytogenetic location: 1q43.
Variant type: single nucleotide variant.
Coding change: c.260G>T on transcript NM_000143.4 (MANE Select); coding-DNA position 260, G replaced by T.
Protein change: p.Arg87Leu; replaces arginine 87 with leucine.
Molecular consequence: missense variant.
Genome position (GRCh38, 1-based): chr1:241,517,189, C>A on the plus strand (G>T on the coding strand, the complement: FH is on the minus strand). VCF-style: chr1-241517189-C-A. GRCh37 (hg19) VCF-style: chr1-241680489-C-A.
Other names: short protein forms R87L.
Identifiers: ClinVar variation 951769 (VCV000951769.14), dbSNP rs200007371, ClinGen allele CA40335864.

ClinVar aggregate classification (germline): Uncertain significance. Review status: criteria provided, multiple submitters, no conflicts (2 of 4 stars). 2 submissions from 2 submitters: Uncertain significance (2). Last evaluated 2026-03-05.

Conditions:
Hereditary cancer-predisposing syndrome. Also called: Tumor predisposition; Hereditary neoplastic syndrome; Hereditary Cancer Syndrome; Neoplastic Syndromes, Hereditary. Identifiers: Orphanet 140162, MedGen C0027672, MeSH D009386, MONDO:0015356.

gnomAD v4.1: 6 of 1,614,114 alleles (0.00037%); highest among the groups gnomAD compares: Non-Finnish European, 0.00051%; no homozygotes.

Submissions (2):

Ambry Genetics
Classification: Uncertain significance for Hereditary cancer-predisposing syndrome. Last evaluated: 2026-03-05. Review status: criteria provided, single submitter. Criteria: Ambry Variant Classification Scheme 2023. Collection method: clinical testing. Allele origin: germline.
Comment: The p.R87L variant (also known as c.260G>T), located in coding exon 2 of the FH gene, results from a G to T substitution at nucleotide position 260. The arginine at codon 87 is replaced by leucine, an amino acid with dissimilar properties. This amino acid position is highly conserved in available vertebrate species. In addition, this alteration is predicted to be deleterious by in silico analysis. Based on the available evidence, the clinical significance of this variant remains unclear.

Labcorp Genetics (formerly Invitae), Labcorp
Classification: Uncertain significance. Last evaluated: 2025-10-14. Review status: criteria provided, single submitter. Criteria: Invitae Variant Classification Sherloc (09022015). Collection method: clinical testing. Allele origin: germline.
Comment: This sequence change replaces arginine, which is basic and polar, with leucine, which is neutral and non-polar, at codon 87 of the FH protein (p.Arg87Leu). This variant is not present in population databases (gnomAD no frequency). This variant has not been reported in the literature in individuals affected with FH-related conditions. ClinVar contains an entry for this variant (Variation ID: 951769). Invitae Evidence Modeling of protein sequence and biophysical properties (such as structural, functional, and spatial information, amino acid conservation, physicochemical variation, residue mobility, and thermodynamic stability) has been performed for this missense variant. However, the output from this modeling did not meet the statistical confidence thresholds required to predict the impact of this variant on FH protein function. In summary, the available evidence is currently insufficient to determine the role of this variant in disease. Therefore, it has been classified as a Variant of Uncertain Significance.